The following is an entry in ClinVar:

NC_000023.11:g.47242504G>A

Gene: USP11 (ubiquitin specific peptidase 11; plus strand). Cytogenetic location: Xp11.3.
Variant type: single nucleotide variant.
Genome position: GRCh38 VCF-style: chrX-47242504-G-A. GRCh37 (hg19) VCF-style: chrX-47101903-G-A.
Identifiers: ClinVar variation 635007 (VCV000635007.2), dbSNP rs777516785, ClinGen allele CA10397012.

ClinVar aggregate classification (germline): Likely pathogenic (1 of 4 stars; one submission).

Conditions:
Dynein arm defect of respiratory motile cilia. Identifiers: MedGen C4022990, HP:0012255.
Absent inner and outer dynein arms. Identifiers: MedGen C4022986, HP:0012259.
Abnormal ciliary motility. Identifiers: MedGen C4022983, HP:0012262.
Bronchiectasis. Identifiers: MedGen C0006267, MONDO:0004822, HP:0002110.

Allele frequency attached by ClinVar (database versions not stated): gnomAD 0.00001; gnomAD exomes 0.00001; ExAC 0.00002; TOPMed 0.00002; 1000 Genomes Project 30x 0.00021; 1000 Genomes Project 0.00026.
gnomAD v4.1: 4 of 1,210,306 alleles (0.00033%); highest among the groups gnomAD compares: East Asian, 0.003%; no homozygotes.

Submission:

Laboratory of Cell Biology, Institute of Biomedical Sciences Abel Salazar University of Porto
Classification: Likely pathogenic for Bronchiectasis; Dynein arm defect of respiratory motile cilia; Absent inner and outer dynein arms; Abnormal ciliary motility. Review status: criteria provided, single submitter. Criteria: Submitter's publication. Collection method: clinical testing. Allele origin: somatic. Inheritance: X-linked recessive inheritance. Affected: yes. Observed: 1 variant allele, 1 hemizygote.
Comment: This is a synonymous variant that is predicted to affect splicing and reduced mRNA expression were observed in the patient's cells.